The following is an entry in ClinVar:

NM_000304.4(PMP22):c.65C>A (p.Ser22Tyr)

Gene: PMP22 (peripheral myelin protein 22; minus strand). Cytogenetic location: 17p12.
Variant type: single nucleotide variant.
Coding change: c.65C>A on transcript NM_000304.4 (MANE Select); coding-DNA position 65, C replaced by A.
Protein change: p.Ser22Tyr; replaces serine 22 with tyrosine.
Molecular consequence: missense variant.
Genome position (GRCh38, 1-based): chr17:15,260,663, G>T on the plus strand (C>A on the coding strand, the complement: PMP22 is on the minus strand). VCF-style: chr17-15260663-G-T. GRCh37 (hg19) VCF-style: chr17-15163980-G-T.
Other names: c.65C>A, p.Ser22Tyr (NM_001281455.2, NM_001281456.2, NM_001330143.2 and 2 more transcripts); short protein forms S22Y.
Identifiers: ClinVar variation 448093 (VCV000448093.3), dbSNP rs104894625, ClinGen allele CA398271674.

ClinVar aggregate classification (germline): Uncertain significance. Review status: criteria provided, multiple submitters, no conflicts (2 of 4 stars). 2 submissions from 2 submitters: Uncertain significance (2). Last evaluated 2025-08-03.

Conditions:
Charcot-Marie-Tooth disease, type I (CMT1). Also called: Charcot-Marie-Tooth disease type 1; Charcot-Marie-Tooth, Type 1. Identifiers: Orphanet 65753, MedGen C0751036, MONDO:0019011.

Submissions (2):

Labcorp Genetics (formerly Invitae), Labcorp
Classification: Uncertain significance for Charcot-Marie-Tooth disease, type I. Last evaluated: 2025-08-03. Review status: criteria provided, single submitter. Criteria: Invitae Variant Classification Sherloc (09022015). Collection method: clinical testing. Allele origin: germline.
Comment: This sequence change replaces serine, which is neutral and polar, with tyrosine, which is neutral and polar, at codon 22 of the PMP22 protein (p.Ser22Tyr). This variant is not present in population databases (gnomAD no frequency). This variant has not been reported in the literature in individuals affected with PMP22-related conditions. ClinVar contains an entry for this variant (Variation ID: 448093). An algorithm developed to predict the effect of missense changes on protein structure and function (PolyPhen-2) suggests that this variant is likely to be disruptive. In summary, the available evidence is currently insufficient to determine the role of this variant in disease. Therefore, it has been classified as a Variant of Uncertain Significance.

Athena Diagnostics
Classification: Uncertain significance. Last evaluated: 2024-12-17. Review status: criteria provided, single submitter. Criteria: Athena Diagnostics Criteria. Collection method: clinical testing. Allele origin: unknown.
Comment: Available data are insufficient to determine the clinical significance of the variant at this time. This variant has not been reported in large, multi-ethnic general populations. Polyphen and MutationTaster predict this amino acid change may be damaging to the protein.